The following is an entry in ClinVar:

NM_002444.3(MSN):c.1039C>G (p.Leu347Val)

Gene: MSN (moesin; plus strand). Cytogenetic location: Xq12.
Variant type: single nucleotide variant.
Coding change: c.1039C>G on transcript NM_002444.3 (MANE Select); coding-DNA position 1039, C replaced by G.
Protein change: p.Leu347Val; replaces leucine 347 with valine.
Molecular consequence: missense variant.
Genome position (GRCh38, 1-based): chrX:65,736,874, C>G. VCF-style: chrX-65736874-C-G. GRCh37 (hg19) VCF-style: chrX-64956736-C-G.
Other names: short protein forms L347V.
Identifiers: ClinVar variation 2974116 (VCV002974116.3), dbSNP rs1417412293, ClinGen allele CA413413108.

ClinVar aggregate classification (germline): Uncertain significance (1 of 4 stars; one submission).

Allele frequency attached by ClinVar (database versions not stated): gnomAD exomes below 0.00001; TOPMed 0.00002.
gnomAD v4.1: 1 of 1,192,508 alleles (0.000084%); highest among the groups gnomAD compares: Admixed American, 0.0023%; no homozygotes.

Submission:

Labcorp Genetics (formerly Invitae), Labcorp
Classification: Uncertain significance. Last evaluated: 2022-12-14. Review status: criteria provided, single submitter. Criteria: Invitae Variant Classification Sherloc (09022015). Collection method: clinical testing. Allele origin: germline.
Comment: This variant is present in population databases (no rsID available, gnomAD 0.004%). This sequence change replaces leucine, which is neutral and non-polar, with valine, which is neutral and non-polar, at codon 347 of the MSN protein (p.Leu347Val). This variant has not been reported in the literature in individuals affected with MSN-related conditions. Algorithms developed to predict the effect of missense changes on protein structure and function are either unavailable or do not agree on the potential impact of this missense change (SIFT: "Tolerated"; PolyPhen-2: "Possibly Damaging"; Align-GVGD: "Class C0"). In summary, the available evidence is currently insufficient to determine the role of this variant in disease. Therefore, it has been classified as a Variant of Uncertain Significance.